The following is an entry in ClinVar:

ClinVar aggregate classification (germline): Uncertain significance. Review status: criteria provided, multiple submitters, no conflicts (2 of 4 stars). 2 submissions from 2 submitters: Uncertain significance (2). Last evaluated 2025-08-06.

Conditions:
Inborn genetic diseases. Identifiers: MedGen C0950123, MeSH D030342.

gnomAD v4.1: 10 of 1,608,670 alleles (0.00062%); highest among the groups gnomAD compares: Admixed American, 0.0017%; no homozygotes.

Submissions (2):

Ambry Genetics
Classification: Uncertain significance for Inborn genetic diseases. Last evaluated: 2025-08-06. Review status: criteria provided, single submitter. Criteria: Ambry Variant Classification Scheme 2023. Collection method: clinical testing. Allele origin: germline.

Labcorp Genetics (formerly Invitae), Labcorp
Classification: Uncertain significance. Last evaluated: 2025-05-25. Review status: criteria provided, single submitter. Criteria: Invitae Variant Classification Sherloc (09022015). Collection method: clinical testing. Allele origin: germline.
Comment: This sequence change replaces valine, which is neutral and non-polar, with isoleucine, which is neutral and non-polar, at codon 328 of the ACAN protein (p.Val328Ile). The frequency data for this variant in the population databases is considered unreliable, as metrics indicate poor data quality at this position in the gnomAD database. This variant has not been reported in the literature in individuals affected with ACAN-related conditions. Invitae Evidence Modeling of protein sequence and biophysical properties (such as structural, functional, and spatial information, amino acid conservation, physicochemical variation, residue mobility, and thermodynamic stability) indicates that this missense variant is not expected to disrupt ACAN protein function with a negative predictive value of 80%. In summary, the available evidence is currently insufficient to determine the role of this variant in disease. Therefore, it has been classified as a Variant of Uncertain Significance.

NM_001369268.1(ACAN):c.982G>A (p.Val328Ile)

Gene: ACAN (aggrecan; plus strand). Cytogenetic location: 15q26.1.
Variant type: single nucleotide variant.
Coding change: c.982G>A on transcript NM_001369268.1 (MANE Select); coding-DNA position 982, G replaced by A.
Protein change: p.Val328Ile; replaces valine 328 with isoleucine.
Molecular consequence: missense variant.
Genome position (GRCh38, 1-based): chr15:88,843,579, G>A. VCF-style: chr15-88843579-G-A. GRCh37 (hg19) VCF-style: chr15-89386810-G-A.
Other names: c.982G>A, p.Val328Ile (NM_001135.4, NM_001411096.1, NM_001411097.1 and 1 more transcripts); short protein forms V328I.
Identifiers: ClinVar variation 4214204 (VCV004214204.2).